The following is an entry in ClinVar:

ClinVar aggregate classification (germline): Likely pathogenic (1 of 4 stars; one submission).

Conditions:
Sick sinus syndrome. Identifiers: MedGen C0037052, MONDO:0001823, HP:0011704.

Submission:

Genetics and Molecular Pathology, SA Pathology
Classification: Likely pathogenic for Sick sinus syndrome. Last evaluated: 2023-01-30. Review status: criteria provided, single submitter. Criteria: ACMG Guidelines, 2015. Collection method: clinical testing. Allele origin: germline. Inheritance: Autosomal dominant inheritance. Affected: yes.
Comment: The LMNA c.324del variant is classified as Likely Pathogenic (PVS1, PM2) The LMNA c.324del variant is located in exon 1/12 and is predicted to cause a shift in the reading frame at codon 109, introducing a premature termination codon 8 amino acids downstream (PVS1). Loss of function is a known disease mechanism for LMNA and is associated with multiple cardiac related diseases including dilated cardiomyopathy, ventricular tachycardia, conduction disease and sick sinus syndrome (PMID#29947763, 27182706, 31847799, 34831398). This variant is absent from population databases (PM2) and has not been reported in dbSNP, ClinVar or HGMD although there are multiple reports of frameshift and nonsense variants more 3' than this variant in LMNA.

Literature cited by the submitters: PubMed 27182706; PubMed 29947763; PubMed 31847799; PubMed 34831398.

NM_170707.4(LMNA):c.324del (p.Val109fs)

Gene: LMNA (lamin A/C; plus strand). Cytogenetic location: 1q22.
Variant type: Deletion.
Coding change: c.324del on transcript NM_170707.4 (MANE Select); coding-DNA position 324, one base deleted (A; older notation c.324delA).
Protein change: p.Val109fs; shifts the reading frame from valine 109.
Molecular consequence: frameshift variant. On other transcripts: 5 prime UTR variant (8), intron variant (2).
Genome position (GRCh38, 1-based): chr1:156,115,242, A deleted; the last of 3 consecutive A bases (chr1:156,115,240-156,115,242); deleting any one gives the same sequence. VCF-style (leftmost placement, unchanged base first): chr1-156115239-CA-C. GRCh37 (hg19) VCF-style: chr1-156085030-CA-C.
Other names: c.324del, p.Val109fs (NM_001282625.2, NM_001282626.2, NM_001406983.1 and 6 more transcripts); c.-100del (NM_001406986.1); c.-78del (NM_001406990.1, NM_001406995.1, NM_001407002.1); c.-341del (NM_001406994.1, NM_001407000.1); c.-521del (NM_001406999.1); c.-184del (NM_001407001.1); c.-203+8419del (NM_001406993.1, NM_001407003.1); c.324delA (NM_170707.4); short protein forms V109fs.
Identifiers: ClinVar variation 2664687 (VCV002664687.1), dbSNP rs2527834624, ClinGen allele CA2573332932.